The following is an entry in ClinVar:

ClinVar aggregate classification (germline): Uncertain significance (1 of 4 stars; one submission).

Submission:

GeneDx
Classification: Uncertain significance. Last evaluated: 2024-07-12. Review status: criteria provided, single submitter. Criteria: GeneDx Variant Classification Process June 2021. Collection method: clinical testing. Allele origin: germline. Affected: yes.
Comment: Not observed at significant frequency in large population cohorts (gnomAD); In silico analysis indicates that this missense variant does not alter protein structure/function; Has not been previously published as pathogenic or benign to our knowledge

NM_001367721.1(CASK):c.1995A>C (p.Lys665Asn)

Gene: CASK (calcium/calmodulin dependent serine protein kinase; minus strand). Cytogenetic location: Xp11.4.
Variant type: single nucleotide variant.
Coding change: c.1995A>C on transcript NM_001367721.1 (MANE Select); coding-DNA position 1995, A replaced by C.
Protein change: p.Lys665Asn; replaces lysine 665 with asparagine.
Molecular consequence: missense variant.
Genome position (GRCh38, 1-based): chrX:41,553,763, T>G on the plus strand (A>C on the coding strand, the complement: CASK is on the minus strand). VCF-style: chrX-41553763-T-G. GRCh37 (hg19) VCF-style: chrX-41413016-T-G.
Other names: c.1926A>C, p.Lys642Asn (NM_001126054.3); c.1908A>C, p.Lys636Asn (NM_001126055.3); c.1977A>C, p.Lys659Asn (NM_001410745.1); c.1995A>C, p.Lys665Asn (NM_003688.4); short protein forms K665N, K636N, K642N, K659N.
Identifiers: ClinVar variation 3572453 (VCV003572453.1).
Genomic context (GRCh38, chrX:41,553,763, plus strand): 5'-ACGCATAAAAACATACCATTCCTGAAGTTCAGGAGAAGGAATGAGACCTGCAGTTCCATT[T>G]TTGGAGTTTTCCAGTTTACCCTGCCACCAATTATGATCATCCTTACTAATAATCTGGATG-3'
Protein context (NP_001354650.1, residues 655-675): NWWQGKLENS[Lys665Asn]NGTAGLIPSP